The following is an entry in ClinVar:

NM_139248.3(LIPH):c.424G>A (p.Gly142Arg)

Gene: LIPH (lipase H; minus strand). Cytogenetic location: 3q27.2.
Variant type: single nucleotide variant.
Coding change: c.424G>A on transcript NM_139248.3 (MANE Select); coding-DNA position 424, G replaced by A.
Protein change: p.Gly142Arg; replaces glycine 142 with arginine.
Molecular consequence: missense variant.
Genome position (GRCh38, 1-based): chr3:185,533,673, C>T on the plus strand (G>A on the coding strand, the complement: LIPH is on the minus strand). VCF-style: chr3-185533673-C-T. GRCh37 (hg19) VCF-style: chr3-185251461-C-T.
Other names: short protein forms G142R.
Identifiers: ClinVar variation 2112607 (VCV002112607.4), dbSNP rs1720411790, ClinGen allele CA355693747.
Genomic context (GRCh38, chr3:185,533,673, plus strand): 5'-ACCCAGATATGTGGGCTCCTAGACTTACTCCGATCATGTAAATGTCATCAAGAGAAGCTC[C>T]TTCTGCCTGGAATTTCAAGAGGTCCATCATTGTAAATTGTAAGGGGCCAAGGAATTAACA-3'
Protein context (NP_640341.1, residues 132-152): KEFIDQMLAE[Gly142Arg]ASLDDIYMIG

ClinVar aggregate classification (germline): Uncertain significance (1 of 4 stars; one submission).

Allele frequency attached by ClinVar (database versions not stated): gnomAD exomes below 0.00001; gnomAD 0.00001.
gnomAD v4.1: 5 of 1,608,654 alleles (0.00031%); highest among the groups gnomAD compares: South Asian, 0.0044%; no homozygotes.

Submission:

Labcorp Genetics (formerly Invitae), Labcorp
Classification: Uncertain significance. Last evaluated: 2022-05-18. Review status: criteria provided, single submitter. Criteria: Invitae Variant Classification Sherloc (09022015). Collection method: clinical testing. Allele origin: germline.
Comment: This sequence change replaces glycine, which is neutral and non-polar, with arginine, which is basic and polar, at codon 142 of the LIPH protein (p.Gly142Arg). This variant is not present in population databases (gnomAD no frequency). This variant has not been reported in the literature in individuals affected with LIPH-related conditions. Algorithms developed to predict the effect of missense changes on protein structure and function are either unavailable or do not agree on the potential impact of this missense change (SIFT: "Deleterious"; PolyPhen-2: "Probably Damaging"; Align-GVGD: "Class C0"). In summary, the available evidence is currently insufficient to determine the role of this variant in disease. Therefore, it has been classified as a Variant of Uncertain Significance.